The following is an entry in ClinVar:

ClinVar aggregate classification (germline): Uncertain significance (1 of 4 stars; one submission).

gnomAD v4.1: 15 of 1,443,072 alleles (0.001%); highest among the groups gnomAD compares: Middle Eastern, 0.025%; no homozygotes.

Submission:

Women's Health and Genetics/Laboratory Corporation of America, LabCorp
Classification: Uncertain significance. Last evaluated: 2024-05-20. Review status: criteria provided, single submitter. Criteria: LabCorp Variant Classification Summary - May 2015. Collection method: clinical testing. Allele origin: germline.
Comment: Variant summary: SHOX c.*14C>A is located in the untranslated mRNA region downstream of the termination codon. The variant allele was found at a frequency of 2e-05 in 50856 control chromosomes (gnomAD). The available data on variant occurrences in the general population are insufficient to allow any conclusion about variant significance. To our knowledge, no occurrence of c.*14C>A in individuals affected with Leri-Weill Dyschondrosteosis and no experimental evidence demonstrating its impact on protein function have been reported. ClinVar contains an entry for this variant (Variation ID: 2684378). Based on the evidence outlined above, the variant was classified as uncertain significance.

NM_000451.4(SHOX):c.*14C>A

Gene: SHOX (SHOX homeobox; plus strand). Cytogenetic location: Xp22.33.
Variant type: single nucleotide variant.
Coding change: c.*14C>A on transcript NM_000451.4 (MANE Select); 14 bases downstream of the stop codon, C replaced by A.
Molecular consequence: 3 prime UTR variant. On other transcripts: intron variant (1).
Genome position (GRCh38, 1-based): chrX:644,650, C>A. VCF-style: chrX-644650-C-A. GRCh37 (hg19) VCF-style: chrX-605385-C-A.
Other names: c.633+3563C>A (NM_006883.2).
Identifiers: ClinVar variation 3336491 (VCV003336491.1).